The following is an entry in ClinVar:

ClinVar aggregate classification (germline): Uncertain significance (1 of 4 stars; one submission).

Allele frequency attached by ClinVar (database versions not stated): gnomAD 0.00001.
gnomAD v4.1: 1 of 1,614,100 alleles (0.000062%); highest among the groups gnomAD compares: African/African-American, 0.0013%; no homozygotes.

Submission:

Labcorp Genetics (formerly Invitae), Labcorp
Classification: Uncertain significance. Last evaluated: 2025-06-12. Review status: criteria provided, single submitter. Criteria: Invitae Variant Classification Sherloc (09022015). Collection method: clinical testing. Allele origin: germline.
Comment: This sequence change replaces phenylalanine, which is neutral and non-polar, with leucine, which is neutral and non-polar, at codon 194 of the BNC2 protein (p.Phe194Leu). This variant is not present in population databases (gnomAD no frequency). This variant has not been reported in the literature in individuals affected with BNC2-related conditions. ClinVar contains an entry for this variant (Variation ID: 1919754). An algorithm developed to predict the effect of missense changes on protein structure and function (PolyPhen-2) suggests that this variant is likely to be disruptive. In summary, the available evidence is currently insufficient to determine the role of this variant in disease. Therefore, it has been classified as a Variant of Uncertain Significance.

NM_017637.6(BNC2):c.582C>G (p.Phe194Leu)

Gene: BNC2 (basonuclin zinc finger protein 2; minus strand). Cytogenetic location: 9p22.3.
Variant type: single nucleotide variant.
Coding change: c.582C>G on transcript NM_017637.6 (MANE Select); coding-DNA position 582, C replaced by G.
Protein change: p.Phe194Leu; replaces phenylalanine 194 with leucine.
Molecular consequence: missense variant.
Genome position (GRCh38, 1-based): chr9:16,552,617, G>C on the plus strand (C>G on the coding strand, the complement: BNC2 is on the minus strand). VCF-style: chr9-16552617-G-C. GRCh37 (hg19) VCF-style: chr9-16552615-G-C.
Other names: c.456C>G, p.Phe152Leu (NM_001317939.2); c.297C>G, p.Phe99Leu (NM_001317940.2); short protein forms F194L, F99L, F152L.
Identifiers: ClinVar variation 1919754 (VCV001919754.5), dbSNP rs1325251267, ClinGen allele CA373097439.